The following is an entry in ClinVar:

NM_000535.7(PMS2):c.1040A>G (p.Glu347Gly)

Gene: PMS2 (PMS1 homolog 2, mismatch repair system component; minus strand). Cytogenetic location: 7p22.1.
Variant type: single nucleotide variant.
Coding change: c.1040A>G on transcript NM_000535.7 (MANE Select); coding-DNA position 1040, A replaced by G.
Protein change: p.Glu347Gly; replaces glutamic acid 347 with glycine.
Molecular consequence: missense variant. On other transcripts: non-coding transcript variant (1), intron variant (2).
Genome position (GRCh38, 1-based): chr7:5,989,904, T>C on the plus strand (A>G on the coding strand, the complement: PMS2 is on the minus strand). VCF-style: chr7-5989904-T-C. GRCh37 (hg19) VCF-style: chr7-6029535-T-C.
Other names: c.635A>G, p.Glu212Gly (NM_001322003.2, NM_001322004.2, NM_001322005.2 and 1 more transcripts); c.722A>G, p.Glu241Gly (NM_001322007.2, NM_001322008.2); c.107A>G, p.Glu36Gly (NM_001322011.2, NM_001322012.2); c.467A>G, p.Glu156Gly (NM_001322013.2); c.1040A>G, p.Glu347Gly (NM_001322014.2); c.731A>G, p.Glu244Gly (NM_001322015.2); c.583+2069A>G (NM_001322010.2); c.988+2069A>G (NM_001322006.2); and 1 more; short protein forms E347G, E244G, E156G, E212G, E241G, E36G.
Identifiers: ClinVar variation 237878 (VCV000237878.13), dbSNP rs878854031, ClinGen allele CA10582515.

ClinVar aggregate classification (germline): Uncertain significance. Review status: criteria provided, multiple submitters, no conflicts (2 of 4 stars). 3 submissions from 3 submitters: Uncertain significance (3). Last evaluated 2025-03-13.

Conditions:
Hereditary nonpolyposis colorectal neoplasms. Identifiers: MedGen C0009405, MeSH D003123.
Hereditary cancer-predisposing syndrome. Also called: Neoplastic Syndromes, Hereditary; Hereditary neoplastic syndrome; Tumor predisposition; Hereditary Cancer Syndrome. Identifiers: Orphanet 140162, MedGen C0027672, MeSH D009386, MONDO:0015356.

Allele frequency attached by ClinVar (database versions not stated): gnomAD exomes below 0.00001.
gnomAD v4.1: 2 of 1,612,314 alleles (0.00012%); highest among the groups gnomAD compares: Non-Finnish European, 0.00017%; no homozygotes.

Submissions (3):

Ambry Genetics
Classification: Uncertain significance for Hereditary cancer-predisposing syndrome. Last evaluated: 2025-03-13. Review status: criteria provided, single submitter. Criteria: Ambry Variant Classification Scheme 2023. Collection method: clinical testing. Allele origin: germline.
Comment: The p.E347G variant (also known as c.1040A>G), located in coding exon 10 of the PMS2 gene, results from an A to G substitution at nucleotide position 1040. The glutamic acid at codon 347 is replaced by glycine, an amino acid with similar properties. This amino acid position is highly conserved in available vertebrate species. In addition, the in silico prediction for this alteration is inconclusive. Based on the available evidence, the clinical significance of this variant remains unclear.

Labcorp Genetics (formerly Invitae), Labcorp
Classification: Uncertain significance for Hereditary nonpolyposis colorectal neoplasms. Last evaluated: 2024-10-25. Review status: criteria provided, single submitter. Criteria: Invitae Variant Classification Sherloc (09022015). Collection method: clinical testing. Allele origin: germline.
Comment: This sequence change replaces glutamic acid, which is acidic and polar, with glycine, which is neutral and non-polar, at codon 347 of the PMS2 protein (p.Glu347Gly). This variant is not present in population databases (gnomAD no frequency). This variant has not been reported in the literature in individuals affected with PMS2-related conditions. ClinVar contains an entry for this variant (Variation ID: 237878). Invitae Evidence Modeling incorporating data from in vitro experimental studies (internal data) indicates that this missense variant is not expected to disrupt PMS2 function with a negative predictive value of 95%. In summary, the available evidence is currently insufficient to determine the role of this variant in disease. Therefore, it has been classified as a Variant of Uncertain Significance.

Women's Health and Genetics/Laboratory Corporation of America, LabCorp
Classification: Uncertain significance. Last evaluated: 2023-06-22. Review status: criteria provided, single submitter. Criteria: LabCorp Variant Classification Summary - May 2015. Collection method: clinical testing. Allele origin: germline.